The following is an entry in ClinVar:

ClinVar aggregate classification (germline): Conflicting classifications of pathogenicity. Review status: criteria provided, conflicting classifications (1 of 4 stars). 3 submissions from 3 submitters: Uncertain significance (1); Likely benign (2). Last evaluated 2026-02-03.

Conditions:
Hereditary xanthinuria type 1 (XAN1). Identifiers: Orphanet 3467, Orphanet 93601, MedGen C0268118, MONDO:0010209, OMIM 278300.
XDH-related disorder. Also called: XDH-related condition.
Xanthinuria type II. Also called: Xanthine dehydrogenase and aldehyde oxidase combined deficiency of; XDH and AOX dual deficiency. Identifiers: Orphanet 3467, Orphanet 93602, MedGen C1863688, MONDO:0011346, OMIM 603592.

Allele frequency attached by ClinVar (database versions not stated): TOPMed 0.00035.
gnomAD v4.1: 120 of 1,613,880 alleles (0.0074%); highest among the groups gnomAD compares: East Asian, 0.25%; no homozygotes.

Submissions (3):

PreventionGenetics, part of Exact Sciences
Classification: Likely benign for XDH-related condition. Last evaluated: 2026-02-03. Review status: criteria provided, single submitter. Criteria: ACMG Guidelines, 2015. Collection method: clinical testing. Allele origin: germline.
Comment: This variant is classified as likely benign based on ACMG/AMP sequence variant interpretation guidelines (Richards et al. 2015 PMID: 25741868, with internal and published modifications).

Labcorp Genetics (formerly Invitae), Labcorp
Classification: Likely benign for Xanthinuria type II. Last evaluated: 2025-09-08. Review status: criteria provided, single submitter. Criteria: Invitae Variant Classification Sherloc (09022015). Collection method: clinical testing. Allele origin: germline.

Illumina Laboratory Services, Illumina
Classification: Uncertain significance for Hereditary xanthinuria type 1. Last evaluated: 2018-01-13. Review status: criteria provided, single submitter. Criteria: ICSL Variant Classification Criteria 13 December 2019. Collection method: clinical testing. Allele origin: germline.

NM_000379.4(XDH):c.1663C>A (p.Pro555Thr)

Gene: XDH (xanthine dehydrogenase; minus strand). Cytogenetic location: 2p23.1.
Variant type: single nucleotide variant.
Coding change: c.1663C>A on transcript NM_000379.4 (MANE Select); coding-DNA position 1663, C replaced by A.
Protein change: p.Pro555Thr; replaces proline 555 with threonine.
Molecular consequence: missense variant.
Genome position (GRCh38, 1-based): chr2:31,373,896, G>T on the plus strand (C>A on the coding strand, the complement: XDH is on the minus strand). VCF-style: chr2-31373896-G-T. GRCh37 (hg19) VCF-style: chr2-31596762-G-T.
Other names: short protein forms P555T.
Identifiers: ClinVar variation 895650 (VCV000895650.13), dbSNP rs45577338, ClinGen allele CA1599146.